The following is an entry in ClinVar:

NM_006231.4(POLE):c.32C>T (p.Ala11Val)

Genes: POLE (DNA polymerase epsilon, catalytic subunit; minus strand), LOC130009266 (ATAC-STARR-seq lymphoblastoid silent region 5123; plus strand). Cytogenetic location: 12q24.33.
Variant type: single nucleotide variant.
Coding change: c.32C>T on transcript NM_006231.4 (MANE Select); coding-DNA position 32, C replaced by T.
Protein change: p.Ala11Val; replaces alanine 11 with valine.
Molecular consequence: missense variant.
Genome position (GRCh38, 1-based): chr12:132,687,284, G>A on the plus strand (C>T on the coding strand, the complement: POLE is on the minus strand). VCF-style: chr12-132687284-G-A. GRCh37 (hg19) VCF-style: chr12-133263870-G-A.
Other names: c.32C>T (NM_006231.2); short protein forms A11V.
Identifiers: ClinVar variation 405719 (VCV000405719.10), dbSNP rs1060500821, ClinGen allele CA16613759.

ClinVar aggregate classification (germline): Conflicting classifications of pathogenicity. Review status: criteria provided, conflicting classifications (1 of 4 stars). 2 submissions from 2 submitters: Uncertain significance (1); Likely benign (1). Last evaluated 2025-12-24.

Conditions:
Hereditary cancer-predisposing syndrome. Also called: Neoplastic Syndromes, Hereditary; Tumor predisposition; Hereditary neoplastic syndrome; Hereditary Cancer Syndrome. Identifiers: Orphanet 140162, MedGen C0027672, MeSH D009386, MONDO:0015356.

gnomAD v4.1: 1 of 1,501,090 alleles (0.000067%); highest among the groups gnomAD compares: Non-Finnish European, 0.000089%; no homozygotes.

Submissions (2):

Ambry Genetics
Classification: Likely benign for Hereditary cancer-predisposing syndrome. Last evaluated: 2025-12-24. Review status: criteria provided, single submitter. Criteria: Ambry Variant Classification Scheme 2023. Collection method: clinical testing. Allele origin: germline.

Labcorp Genetics (formerly Invitae), Labcorp
Classification: Uncertain significance. Last evaluated: 2021-08-06. Review status: criteria provided, single submitter. Criteria: Invitae Variant Classification Sherloc (09022015). Collection method: clinical testing. Allele origin: germline.
Comment: This sequence change replaces alanine with valine at codon 11 of the POLE protein (p.Ala11Val). The alanine residue is weakly conserved and there is a small physicochemical difference between alanine and valine. The frequency data for this variant in the population databases is considered unreliable, as metrics indicate insufficient coverage at this position in the ExAC database. In summary, the available evidence is currently insufficient to determine the role of this variant in disease. Therefore, it has been classified as a Variant of Uncertain Significance. Algorithms developed to predict the effect of missense changes on protein structure and function output the following: SIFT: "Tolerated"; PolyPhen-2: "Not Available"; Align-GVGD: "Class C0". The valine amino acid residue is found in multiple mammalian species, which suggests that this missense change does not adversely affect protein function. ClinVar contains an entry for this variant (Variation ID: 405719). This variant has been observed in individual(s) with ovarian cancer (PMID: 30093976).

Literature cited by the submitters: PubMed 30093976 (cited by Labcorp Genetics (formerly Invitae), Labcorp).